The following is an entry in ClinVar:

NM_182961.4(SYNE1):c.9325-174G>T

Gene: SYNE1 (spectrin repeat containing nuclear envelope protein 1; minus strand). Cytogenetic location: 6q25.2.
Variant type: single nucleotide variant.
Coding change: c.9325-174G>T on transcript NM_182961.4 (MANE Select); 174 bases into the intron before coding-DNA position 9325, G replaced by T.
Molecular consequence: intron variant.
Genome position (GRCh38, 1-based): chr6:152,373,393, C>A on the plus strand (G>T on the coding strand, the complement: SYNE1 is on the minus strand). VCF-style: chr6-152373393-C-A. GRCh37 (hg19) VCF-style: chr6-152694528-C-A.
Other names: c.9346-174G>T (NM_033071.5).
Identifiers: ClinVar variation 673992 (VCV000673992.1), dbSNP rs1811616, ClinGen allele CA12308869.

ClinVar aggregate classification (germline): Likely benign (1 of 4 stars; one submission).

Allele frequency attached by ClinVar (database versions not stated): gnomAD 0.02946; TOPMed 0.03395; 1000 Genomes Project 30x 0.05418; 1000 Genomes Project 0.05811.
gnomAD v4.1: 4,927 of 152,014 alleles (3.2%); highest among the groups gnomAD compares: East Asian, 10%; 114 homozygotes.

Submission:

GeneDx
Classification: Likely benign. Last evaluated: 2018-06-16. Review status: criteria provided, single submitter. Criteria: GeneDx Variant Classification (06012015). Collection method: clinical testing. Allele origin: germline. Affected: yes.
Comment: This variant is considered likely benign or benign based on one or more of the following criteria: it is a conservative change, it occurs at a poorly conserved position in the protein, it is predicted to be benign by multiple in silico algorithms, and/or has population frequency not consistent with disease.